The following is an entry in ClinVar:

NM_024915.4(GRHL2):c.1416T>C (p.Pro472=)

Gene: GRHL2 (grainyhead like transcription factor 2; plus strand). Cytogenetic location: 8q22.3.
Variant type: single nucleotide variant.
Coding change: c.1416T>C on transcript NM_024915.4 (MANE Select); coding-DNA position 1416, T replaced by C.
Protein change: p.Pro472=; no amino-acid change (proline 472 retained).
Molecular consequence: synonymous variant.
Genome position (GRCh38, 1-based): chr8:101,632,296, T>C. VCF-style: chr8-101632296-T-C. GRCh37 (hg19) VCF-style: chr8-102644524-T-C.
Other names: c.1368T>C, p.Pro456= (NM_001330593.2).
Identifiers: ClinVar variation 227416 (VCV000227416.6), dbSNP rs371708806, ClinGen allele CA4830568.

ClinVar aggregate classification (germline): Likely benign. Review status: criteria provided, multiple submitters, no conflicts (2 of 4 stars). 2 submissions from 2 submitters: Likely benign (2). Last evaluated 2019-12-12.

Allele frequency attached by ClinVar (database versions not stated): gnomAD exomes 0.00005 and 0.00012; ExAC 0.00006; ESP Exome Variant Server 0.00008; gnomAD 0.00009 and 0.00010; TOPMed 0.00009.
gnomAD v4.1: 190 of 1,613,900 alleles (0.012%); highest among the groups gnomAD compares: Non-Finnish European, 0.015%; no homozygotes.

Submissions (2):

GeneDx
Classification: Likely benign. Last evaluated: 2019-12-12. Review status: criteria provided, single submitter. Criteria: GeneDx Variant Classification Process June 2021. Collection method: clinical testing. Allele origin: germline. Affected: yes.

Laboratory for Molecular Medicine, Mass General Brigham Personalized Medicine
Classification: Likely benign. Last evaluated: 2015-08-18. Review status: criteria provided, single submitter. Criteria: LMM Criteria. Collection method: clinical testing. Allele origin: germline. Observed: 1 variant allele.
Comment: p.Pro472Pro in Exon 11 of GRHL2: This variant is not expected to have clinical s ignificance because it does not alter an amino acid residue, is not located with in the splice consensus sequence, and has been identified in 7/66736 European ch romosomes by the Exome Aggregation Consortium (ExAC. org; dbSNP rs371708806).